The following is an entry in ClinVar:

NM_003611.3(OFD1):c.442G>C (p.Ala148Pro)

Gene: OFD1 (OFD1 centriole and centriolar satellite protein; plus strand). Cytogenetic location: Xp22.2.
Variant type: single nucleotide variant.
Coding change: c.442G>C on transcript NM_003611.3 (MANE Select); coding-DNA position 442, G replaced by C.
Protein change: p.Ala148Pro; replaces alanine 148 with proline.
Molecular consequence: missense variant.
Genome position (GRCh38, 1-based): chrX:13,744,444, G>C. VCF-style: chrX-13744444-G-C. GRCh37 (hg19) VCF-style: chrX-13762563-G-C.
Other names: c.442G>C, p.Ala148Pro (NM_001330209.2); c.22G>C, p.Ala8Pro (NM_001330210.2); short protein forms A148P, A8P.
Identifiers: ClinVar variation 3031535 (VCV003031535.2), dbSNP rs2518821166, ClinGen allele CA412335846.

ClinVar aggregate classification (germline): Likely pathogenic (0 of 4 stars; one submission).

Conditions:
OFD1-related disorder. Also called: OFD1-related condition.

Submission:

PreventionGenetics, part of Exact Sciences
Classification: Likely pathogenic for OFD1-related condition. Last evaluated: 2024-01-10. Review status: no assertion criteria provided. Collection method: clinical testing. Allele origin: germline.
Comment: The OFD1 c.442G>C variant is predicted to result in the amino acid substitution p.Ala148Pro. To our knowledge, this variant has not been reported in the literature or in a large population database, indicating this variant is rare. This variant is interpreted as likely pathogenic.